The following is an entry in ClinVar:

ClinVar aggregate classification (germline): Uncertain significance (1 of 4 stars; one submission).

Conditions:
Acrocallosal syndrome (ACLS). Also called: HALLUX DUPLICATION, POSTAXIAL POLYDACTYLY, AND ABSENCE OF CORPUS CALLOSUM; Schinzel syndrome 1; Absence of corpus callosum with unusual facial appearance, mental deficiency, duplication of the halluces and polydactyly. Identifiers: Orphanet 36, MedGen C0796147, MONDO:0008708, OMIM 200990.

gnomAD v4.1: 39 of 1,551,408 alleles (0.0025%); highest among the groups gnomAD compares: Non-Finnish European, 0.0033%; no homozygotes.

Submission:

Labcorp Genetics (formerly Invitae), Labcorp
Classification: Uncertain significance for Acrocallosal syndrome. Last evaluated: 2025-02-13. Review status: criteria provided, single submitter. Criteria: Invitae Variant Classification Sherloc (09022015). Collection method: clinical testing. Allele origin: germline.
Comment: This sequence change replaces phenylalanine, which is neutral and non-polar, with leucine, which is neutral and non-polar, at codon 82 of the KIF7 protein (p.Phe82Leu). This variant is not present in population databases (gnomAD no frequency). This variant has not been reported in the literature in individuals affected with KIF7-related conditions. Invitae Evidence Modeling of protein sequence and biophysical properties (such as structural, functional, and spatial information, amino acid conservation, physicochemical variation, residue mobility, and thermodynamic stability) indicates that this missense variant is not expected to disrupt KIF7 protein function with a negative predictive value of 80%. In summary, the available evidence is currently insufficient to determine the role of this variant in disease. Therefore, it has been classified as a Variant of Uncertain Significance.

NM_198525.3(KIF7):c.246C>G (p.Phe82Leu)

Gene: KIF7 (kinesin family member 7; minus strand). Cytogenetic location: 15q26.1.
Variant type: single nucleotide variant.
Coding change: c.246C>G on transcript NM_198525.3 (MANE Select); coding-DNA position 246, C replaced by G.
Protein change: p.Phe82Leu; replaces phenylalanine 82 with leucine.
Molecular consequence: missense variant.
Genome position (GRCh38, 1-based): chr15:89,652,685, G>C on the plus strand (C>G on the coding strand, the complement: KIF7 is on the minus strand). VCF-style: chr15-89652685-G-C. GRCh37 (hg19) VCF-style: chr15-90195916-G-C.
Other names: short protein forms F82L.
Identifiers: ClinVar variation 4701333 (VCV004701333.1).